The following is an entry in ClinVar:

NM_002582.4(PARN):c.184A>G (p.Met62Val)

Gene: PARN (poly(A)-specific ribonuclease; minus strand). Cytogenetic location: 16p13.12.
Variant type: single nucleotide variant.
Coding change: c.184A>G on transcript NM_002582.4 (MANE Select); coding-DNA position 184, A replaced by G.
Protein change: p.Met62Val; replaces methionine 62 with valine.
Molecular consequence: missense variant. On other transcripts: initiator codon variant (1), intron variant (1).
Genome position (GRCh38, 1-based): chr16:14,627,330, T>C on the plus strand (A>G on the coding strand, the complement: PARN is on the minus strand). VCF-style: chr16-14627330-T-C. GRCh37 (hg19) VCF-style: chr16-14721187-T-C.
Other names: c.1A>G, p.Met1Val (NM_001134477.3); c.159-194A>G (NM_001242992.2); short protein forms M1V, M62V.
Identifiers: ClinVar variation 1392855 (VCV001392855.7), dbSNP rs756788280, ClinGen allele CA7912500.

ClinVar aggregate classification (germline): Uncertain significance (1 of 4 stars; one submission).

Conditions:
Dyskeratosis congenita, autosomal recessive 6 (DKCB6). Identifiers: MedGen C4225356, MONDO:0014600, OMIM 616353.
Pulmonary fibrosis and/or bone marrow failure, Telomere-related, 4. Also called: PULMONARY FIBROSIS AND/OR BONE MARROW FAILURE SYNDROME, TELOMERE-RELATED, 4. Identifiers: Orphanet 2032, MedGen C4225347, MONDO:0014612, OMIM 616371.

Allele frequency attached by ClinVar (database versions not stated): TOPMed below 0.00001; gnomAD exomes 0.00001; ExAC 0.00002.
gnomAD v4.1: 9 of 1,583,426 alleles (0.00057%); highest among the groups gnomAD compares: Admixed American, 0.0018%; no homozygotes.

Submission:

Labcorp Genetics (formerly Invitae), Labcorp
Classification: Uncertain significance for Dyskeratosis congenita, autosomal recessive 6; Pulmonary fibrosis and/or bone marrow failure, Telomere-related, 4. Last evaluated: 2022-11-22. Review status: criteria provided, single submitter. Criteria: Invitae Variant Classification Sherloc (09022015). Collection method: clinical testing. Allele origin: germline.
Comment: In summary, the available evidence is currently insufficient to determine the role of this variant in disease. Therefore, it has been classified as a Variant of Uncertain Significance. Advanced modeling of protein sequence and biophysical properties (such as structural, functional, and spatial information, amino acid conservation, physicochemical variation, residue mobility, and thermodynamic stability) performed at Invitae indicates that this missense variant is not expected to disrupt PARN protein function. ClinVar contains an entry for this variant (Variation ID: 1392855). This variant has not been reported in the literature in individuals affected with PARN-related conditions. The frequency data for this variant in the population databases is considered unreliable, as metrics indicate poor data quality at this position in the gnomAD database. This sequence change replaces methionine, which is neutral and non-polar, with valine, which is neutral and non-polar, at codon 62 of the PARN protein (p.Met62Val).